The following is an entry in ClinVar:

ClinVar aggregate classification (germline): Pathogenic (1 of 4 stars; one submission).

Submission:

Quest Diagnostics Nichols Institute San Juan Capistrano
Classification: Pathogenic. Last evaluated: 2025-01-27. Review status: criteria provided, single submitter. Criteria: ACMG/ClinGen CNV Guidelines, 2019. Collection method: clinical testing. Allele origin: unknown.
Comment: This deletion involves an intragenic portion (NM_015570.4) of AUTS2 (OMIM 607270). Haploinsufficiency of AUTS2 is associated with intellectual disability 26 (OMIM 615834; CCID:006723; Amarillo 2014, Bartnik 2014, Beunders 2013, Beunders 2016, Fan 2016, Nagamani 2013, Stojanovic 2021). Individuals with either de novo or inherited intragenic deletions have been reported to have variable features (Biel 2022, Beunders 2016). There are no similar copy number losses of this region in the general populations of the Database of Genomic Variants. Thus, this copy number variant (CNV) is classified as pathogenic. References: Amarillo et al., Am J Med Genet A. 2014 Apr;164A(4):958-65.). PMID: 24459036 Bartnik et al., Dev Period Med. 2014 Jul-Sep;18(3):307-17. PMID: 25182394 Beunders et al., Am J Hum Genet. 2013 Feb 7;92(2):210-20 PMID: 23332918 Beunders et al., J Med Genet. 2016 Apr 13, PMID:27075013 Fan et al., Am J Med Genet A. 2016 Feb;170A(2):515-522. PMID: 26545289 Nagamani et al., Eur J Hum Genet. 2013 Mar;21(3):343-6. PMID: 22872102 Stojanovic et al., J Child Neurol. 2020 Feb;35(2):116-131. PMID: 31623504

GRCh37/hg19 7q11.22(chr7:69145302-69977009)x1

Gene: AUTS2 (activator of transcription and developmental regulator AUTS2; plus strand). Cytogenetic location: 7q11.22.
Variant type: copy number loss.
Change: copy number 1 (one copy instead of two) of chr7:69,145,302-69,977,009 (831.7 kb, GRCh37 coordinates, 1-based), cytogenetic band 7q11.22.
Identifiers: ClinVar variation 4682693 (VCV004682693.1).